The following is an entry in ClinVar:

NM_001127511.3(APC):c.-35G>A

Gene: APC (APC regulator of Wnt signaling pathway; plus strand). Cytogenetic location: 5q22.2.
Variant type: single nucleotide variant.
Coding change: c.-35G>A on transcript NM_001127511.3; 35 bases upstream of the start codon, G replaced by A.
Molecular consequence: 5 prime UTR variant. On other transcripts: non-coding transcript variant (1), intron variant (5).
Genome position (GRCh38, 1-based): chr5:112,707,683, G>A. VCF-style: chr5-112707683-G-A. GRCh37 (hg19) VCF-style: chr5-112043380-G-A.
Other names: c.-218G>A (NM_001354895.2, NM_001407447.1, NM_001407452.1 and 3 more transcripts); c.-35G>A (NM_001354897.2, NM_001354902.2, NM_001407446.1); c.-1253G>A (NM_001407470.1, NM_001407472.1); c.-19+34G>A (NM_001407448.1, NM_001407450.1, NM_001407457.1 and 1 more transcripts); c.-43+34G>A (NM_001407453.1).
Identifiers: ClinVar variation 2150714 (VCV002150714.3), dbSNP rs1199369770, ClinGen allele CA1080214990.
Genomic context (GRCh38, chr5:112,707,683, plus strand): 5'-CCGAGGTTGGCTCGATGCTGTTCCCAGGTACTGTTGTTGGCTGTTGGTGAGGAAGGTGAA[G>A]CACTCAGTTGCCTTCTCGGGCCTCGGCGCCCCCTATGTACGCCTCCCTGGGCTCGGGTCC-3'

ClinVar aggregate classification (germline): Conflicting classifications of pathogenicity. Review status: criteria provided, conflicting classifications (1 of 4 stars). 2 submissions from 2 submitters: Uncertain significance (1); Likely benign (1). Last evaluated 2025-03-04.

Conditions:
Familial adenomatous polyposis 1 (FAP1). Also called: FAMILIAL ADENOMATOUS POLYPOSIS 1, ATTENUATED; POLYPOSIS, ADENOMATOUS INTESTINAL. Identifiers: MedGen C2713442, MONDO:0021056, OMIM 175100. Disease mechanism: loss of function.

gnomAD v4.1: 1 of 1,370,394 alleles (0.000073%); highest among the groups gnomAD compares: Non-Finnish European, 0.000096%; no homozygotes.

Submissions (2):

Center for Genomic Medicine, Rigshospitalet, Copenhagen University Hospital
Classification: Likely benign. Last evaluated: 2025-03-04. Review status: criteria provided, single submitter. Criteria: ACMG Guidelines, 2015. Collection method: clinical testing. Allele origin: germline.

Labcorp Genetics (formerly Invitae), Labcorp
Classification: Uncertain significance for Familial adenomatous polyposis 1. Last evaluated: 2021-12-26. Review status: criteria provided, single submitter. Criteria: Invitae Variant Classification Sherloc (09022015). Collection method: clinical testing. Allele origin: germline.
Comment: In summary, the available evidence is currently insufficient to determine the role of this variant in disease. Therefore, it has been classified as a Variant of Uncertain Significance. Experimental studies and prediction algorithms are not available or were not evaluated, and the functional significance of this variant is currently unknown. This variant has not been reported in the literature in individuals affected with APC-related conditions. This variant is not present in population databases (gnomAD no frequency). This variant occurs in a non-coding region of the APC gene. It does not change the encoded amino acid sequence of the APC protein.